The following is an entry in ClinVar:

NM_001009944.3(PKD1):c.8195G>A (p.Arg2732Gln)

Gene: PKD1 (polycystin 1, transient receptor potential channel interacting; minus strand). Cytogenetic location: 16p13.3.
Variant type: single nucleotide variant.
Coding change: c.8195G>A on transcript NM_001009944.3 (MANE Select); coding-DNA position 8195, G replaced by A.
Protein change: p.Arg2732Gln; replaces arginine 2732 with glutamine.
Molecular consequence: missense variant.
Genome position (GRCh38, 1-based): chr16:2,103,862, C>T on the plus strand (G>A on the coding strand, the complement: PKD1 is on the minus strand). VCF-style: chr16-2103862-C-T. GRCh37 (hg19) VCF-style: chr16-2153863-C-T.
Other names: c.8195G>A, p.Arg2732Gln (NM_000296.4); short protein forms R2732Q.
Identifiers: ClinVar variation 618293 (VCV000618293.14), dbSNP rs78185588, ClinGen allele CA7830618.

ClinVar aggregate classification (germline): Conflicting classifications of pathogenicity. Review status: criteria provided, conflicting classifications (1 of 4 stars). 5 submissions from 5 submitters: Uncertain significance (2); Likely benign (3). Last evaluated 2025-12-04.

Conditions:
Inborn genetic diseases. Identifiers: MedGen C0950123, MeSH D030342.
Polycystic kidney disease, adult type (PKD1). Also called: Polycystic Kidney, Autosomal Dominant; Polycystic Kidney Disease 1, Autosomal Dominant; Polycystic kidney disease 1; Polycystic kidney disease 1, severe; POLYCYSTIC KIDNEY DISEASE 1 WITH OR WITHOUT POLYCYSTIC LIVER DISEASE; POLYCYSTIC KIDNEY DISEASE, ADULT, TYPE I. Identifiers: MedGen C3149841, MONDO:0008263, OMIM 173900.

Allele frequency attached by ClinVar (database versions not stated): gnomAD 0.00007 and 0.00008; TOPMed 0.00008; ExAC 0.00011; 1000 Genomes Project 30x 0.00016; gnomAD exomes 0.00007 and 0.00012; 1000 Genomes Project 0.00020; ESP Exome Variant Server 0.00016.

Submissions (5):

Dasa
Classification: Uncertain significance for Polycystic kidney disease, adult type. Last evaluated: 2025-12-04. Review status: criteria provided, single submitter. Criteria: DASA Assertion Criteria. Collection method: clinical testing. Allele origin: germline.
Comment: NM_001009944.3(PKD1):c.8195G>A (p.Arg2732Gln) is a missense variant that results in the substitution of arginine with glutamine. This variant is rare in population databases. Computational prediction algorithms are consistent with a benign effect. The currently available literature and clinical evidence are not sufficient to establish a definitive association between this variant and the reported condition. Therefore, this variant is classified as a variant of uncertain significance.

Women's Health and Genetics/Laboratory Corporation of America, LabCorp
Classification: Uncertain significance. Last evaluated: 2025-09-02. Review status: criteria provided, single submitter. Criteria: LabCorp Variant Classification Summary - May 2015. Collection method: clinical testing. Allele origin: germline.
Comment: Variant summary: PKD1 c.8195G>A (p.Arg2732Gln) results in a conservative amino acid change in the encoded protein sequence. Algorithms developed to predict the effect of missense changes on protein structure and function all suggest that this variant is likely to be tolerated. The variant allele was found at a frequency of 0.00012 in 241528 control chromosomes. This frequency is not significantly higher than estimated for disease-causing variants in PKD1, allowing no conclusion about variant significance. To our knowledge, no occurrence of c.8195G>A in individuals affected with PKD1-related conditions and no experimental evidence demonstrating its impact on protein function have been reported. ClinVar contains an entry for this variant (Variation ID: 618293). Based on the evidence outlined above, the variant was classified as uncertain significance.

Ambry Genetics
Classification: Likely benign for Inborn genetic diseases. Last evaluated: 2023-06-07. Review status: criteria provided, single submitter. Criteria: Ambry Variant Classification Scheme 2023. Collection method: clinical testing. Allele origin: germline.

Athena Diagnostics
Classification: Likely benign. Last evaluated: 2020-08-03. Review status: criteria provided, single submitter. Criteria: Athena Diagnostics Criteria. Collection method: clinical testing. Allele origin: unknown.

ARUP Laboratories, Molecular Genetics and Genomics, ARUP Laboratories
Classification: Likely benign. Last evaluated: 2017-05-19. Review status: criteria provided, single submitter. Criteria: ARUP Molecular Germline Variant Investigation Process. Collection method: clinical testing. Allele origin: germline.